The following is an entry in ClinVar:

ClinVar aggregate classification (germline): Conflicting classifications of pathogenicity. Review status: criteria provided, conflicting classifications (1 of 4 stars). 2 submissions from 2 submitters: Uncertain significance (1); Likely benign (1). Last evaluated 2026-06-08.

Conditions:
Cardiovascular phenotype. Identifiers: MedGen CN230736.

Submissions (2):

Ambry Genetics
Classification: Likely benign for Cardiovascular phenotype. Last evaluated: 2026-06-08. Review status: criteria provided, single submitter. Criteria: Ambry Variant Classification Scheme 2023. Collection method: clinical testing. Allele origin: germline.

Women's Health and Genetics/Laboratory Corporation of America, LabCorp
Classification: Uncertain significance. Last evaluated: 2019-11-18. Review status: criteria provided, single submitter. Criteria: LabCorp Variant Classification Summary - May 2015. Collection method: clinical testing. Allele origin: germline.
Comment: Variant summary: RAF1 c.1194-7_1194-3delTCCCC alters a non-conserved nucleotide located close to a canonical splice site and therefore could affect mRNA splicing, leading to a significantly altered protein sequence. 5/5 computational tools predict no significant impact on normal splicing. However, these predictions have yet to be confirmed by functional studies. The variant was absent in 246950 control chromosomes (gnomAD). The available data on variant occurrences in the general population are insufficient to allow any conclusion about variant significance. To our knowledge, no occurrence of c.1194-7_1194-3delTCCCC in individuals affected with Noonan Syndrome and Related Conditions and no experimental evidence demonstrating its impact on protein function have been reported. No clinical diagnostic laboratories have submitted clinical-significance assessments for this variant to ClinVar after 2014. Based on the evidence outlined above, the variant was classified as uncertain significance.

NM_002880.4(RAF1):c.1194-17TCCCC[2]

Gene: RAF1 (Raf-1 proto-oncogene, serine/threonine kinase; minus strand). Cytogenetic location: 3p25.2.
Variant type: Microsatellite.
Coding change: c.1194-17TCCCC[2] on transcript NM_002880.4 (MANE Select); two copies in a row of the 5-base unit TCCCC starting at c.1194-17; the reference has three copies in a row; one copy, 5 bases deleted.
Molecular consequence: intron variant.
Genome position (GRCh38, 1-based): chr3:12,590,977-12,590,981, GGGGA deleted on the plus strand (TCCCC on the coding strand, the reverse complement: RAF1 is on the minus strand); deleting any 5 consecutive bases within chr3:12,590,977-12,590,991 gives the same sequence; the position shown is the placement nearest the transcript's 3' end. VCF-style (leftmost placement, unchanged base first): chr3-12590976-TGGGGA-T. GRCh37 (hg19) VCF-style: chr3-12632475-TGGGGA-T.
Other names: c.852-17TCCCC[2] (NM_001354695.3); c.951-17TCCCC[2] (NM_001354692.3, NM_001354691.3); c.1011-17TCCCC[2] (NM_001354694.3); c.1095-17TCCCC[2] (NM_001354693.3); c.1254-17TCCCC[2] (NM_001354689.3); c.1194-17TCCCC[2] (NM_001354690.3); c.1194-7_1194-3delTCCCC (NM_002880.3).
Identifiers: ClinVar variation 928993 (VCV000928993.2), dbSNP rs2058496555, ClinGen allele CA1139657911.